The following is an entry in ClinVar:

ClinVar aggregate classification (germline): Uncertain significance (1 of 4 stars; one submission).

Allele frequency attached by ClinVar (database versions not stated): gnomAD exomes below 0.00001.
gnomAD v4.1: 1 of 1,613,978 alleles (0.000062%); highest among the groups gnomAD compares: East Asian, 0.0022%; no homozygotes.

Submission:

Labcorp Genetics (formerly Invitae), Labcorp
Classification: Uncertain significance. Last evaluated: 2023-11-27. Review status: criteria provided, single submitter. Criteria: Invitae Variant Classification Sherloc (09022015). Collection method: clinical testing. Allele origin: germline.
Comment: This sequence change replaces glutamic acid, which is acidic and polar, with glutamine, which is neutral and polar, at codon 451 of the MTMR14 protein (p.Glu451Gln). This variant is not present in population databases (gnomAD no frequency). This variant has not been reported in the literature in individuals affected with MTMR14-related conditions. ClinVar contains an entry for this variant (Variation ID: 1986825). Advanced modeling of protein sequence and biophysical properties (such as structural, functional, and spatial information, amino acid conservation, physicochemical variation, residue mobility, and thermodynamic stability) performed at Invitae indicates that this missense variant is not expected to disrupt MTMR14 protein function with a negative predictive value of 80%. In summary, the available evidence is currently insufficient to determine the role of this variant in disease. Therefore, it has been classified as a Variant of Uncertain Significance.

NM_001077525.3(MTMR14):c.1351G>C (p.Glu451Gln)

Gene: MTMR14 (myotubularin related protein 14; plus strand). Cytogenetic location: 3p25.3.
Variant type: single nucleotide variant.
Coding change: c.1351G>C on transcript NM_001077525.3 (MANE Select); coding-DNA position 1351, G replaced by C.
Protein change: p.Glu451Gln; replaces glutamic acid 451 with glutamine.
Molecular consequence: missense variant. On other transcripts: non-coding transcript variant (9).
Genome position (GRCh38, 1-based): chr3:9,689,000, G>C. VCF-style: chr3-9689000-G-C. GRCh37 (hg19) VCF-style: chr3-9730684-G-C.
Other names: c.1351G>C, p.Glu451Gln (NM_001077526.3, NM_022485.5); c.1420G>C, p.Glu474Gln (NM_001400518.1, NM_001400521.1); c.1348G>C, p.Glu450Gln (NM_001400519.1, NM_001400522.1); c.1276G>C, p.Glu426Gln (NM_001400520.1, NM_001400523.1, NM_001400528.1); c.1105G>C, p.Glu369Gln (NM_001400524.1, NM_001400527.1, NM_001400530.1); c.1069G>C, p.Glu357Gln (NM_001400525.1, NM_001400529.1, NM_001400532.1); c.1345G>C, p.Glu449Gln (NM_001400526.1); c.1102G>C, p.Glu368Gln (NM_001400531.1); and 5 more; short protein forms E164Q, E212Q, E237Q, E357Q, E451Q, E474Q, E449Q, E450Q.
Identifiers: ClinVar variation 1986825 (VCV001986825.4), dbSNP rs2471032297, ClinGen allele CA351698848.